The following is an entry in ClinVar:

NM_005591.4(MRE11):c.1545A>C (p.Glu515Asp)

Gene: MRE11 (MRE11 double strand break repair nuclease; minus strand). Cytogenetic location: 11q21.
Variant type: single nucleotide variant.
Coding change: c.1545A>C on transcript NM_005591.4 (MANE Select); coding-DNA position 1545, A replaced by C.
Protein change: p.Glu515Asp; replaces glutamic acid 515 with aspartic acid.
Molecular consequence: missense variant.
Genome position (GRCh38, 1-based): chr11:94,456,294, T>G on the plus strand (A>C on the coding strand, the complement: MRE11 is on the minus strand). VCF-style: chr11-94456294-T-G. GRCh37 (hg19) VCF-style: chr11-94189460-T-G.
Other names: c.1545A>C, p.Glu515Asp (NM_001330347.2, NM_005590.4); short protein forms E515D.
Identifiers: ClinVar variation 1681575 (VCV001681575.6), dbSNP rs886048759, ClinGen allele CA382370708.
Genomic context (GRCh38, chr11:94,456,294, plus strand): 5'-AAAGTGATATATAAACACAAGAATTTGCAGCAGAATAATTACCTCACGGACTTCATCATC[T>G]TCTTCATTAGTATTTTTTTGTCTGGTTTCTCTGAAACGACGTACCTAGATCATAACAGAG-3'
Protein context (NP_005582.1, residues 505-525): RETRQKNTNE[Glu515Asp]DDEVREAMTR

ClinVar aggregate classification (germline): Uncertain significance (1 of 4 stars; one submission).

Conditions:
Ataxia-telangiectasia-like disorder (ATLD). Identifiers: MedGen C1858391, MONDO:0011457.

Submission:

Labcorp Genetics (formerly Invitae), Labcorp
Classification: Uncertain significance for Ataxia-telangiectasia-like disorder. Last evaluated: 2021-10-07. Review status: criteria provided, single submitter. Criteria: Invitae Variant Classification Sherloc (09022015). Collection method: clinical testing. Allele origin: germline.
Comment: This sequence change replaces glutamic acid with aspartic acid at codon 515 of the MRE11 protein (p.Glu515Asp). The glutamic acid residue is highly conserved and there is a small physicochemical difference between glutamic acid and aspartic acid. In summary, the available evidence is currently insufficient to determine the role of this variant in disease. Therefore, it has been classified as a Variant of Uncertain Significance. Algorithms developed to predict the effect of missense changes on protein structure and function (SIFT, PolyPhen-2, Align-GVGD) all suggest that this variant is likely to be tolerated. This variant has not been reported in the literature in individuals affected with MRE11-related conditions. This variant is not present in population databases (ExAC no frequency).